The following is an entry in ClinVar:

NM_014362.4(HIBCH):c.550T>C (p.Leu184=)

Gene: HIBCH (3-hydroxyisobutyryl-CoA hydrolase; minus strand). Cytogenetic location: 2q32.2.
Variant type: single nucleotide variant.
Coding change: c.550T>C on transcript NM_014362.4 (MANE Select); coding-DNA position 550, T replaced by C.
Protein change: p.Leu184=; no amino-acid change (leucine 184 retained).
Molecular consequence: synonymous variant.
Genome position (GRCh38, 1-based): chr2:190,252,275, A>G on the plus strand (T>C on the coding strand, the complement: HIBCH is on the minus strand). VCF-style: chr2-190252275-A-G. GRCh37 (hg19) VCF-style: chr2-191117001-A-G.
Other names: c.550T>C, p.Leu184= (NM_198047.3).
Identifiers: ClinVar variation 1594744 (VCV001594744.13), dbSNP rs777785491, ClinGen allele CA2027584.

ClinVar aggregate classification (germline): Likely benign. Review status: criteria provided, multiple submitters, no conflicts (2 of 4 stars). 3 submissions from 3 submitters: Likely benign (3). Last evaluated 2026-03-01.

Conditions:
3-hydroxyisobutyryl-CoA hydrolase deficiency. Also called: HIBCH DEFICIENCY; METHACRYLIC ACID TOXICITY; METHACRYLIC ACIDURIA; VALINE METABOLIC DEFECT; Reduced circulating 3-hydroxyisobutyryl-CoA hydrolase activity; Deficiency of 3-hydroxyisobutyryl CoA hydrolase. Identifiers: Orphanet 88639, MedGen C0342738, MONDO:0009603, OMIM 250620, HP:6000215.

Allele frequency attached by ClinVar (database versions not stated): TOPMed 0.00002; gnomAD 0.00003 and 0.00004; gnomAD exomes 0.00003 and 0.00005; ExAC 0.00008.
gnomAD v4.1: 45 of 1,613,542 alleles (0.0028%); highest among the groups gnomAD compares: Middle Eastern, 0.016%; no homozygotes.

Submissions (3):

CeGaT Center for Human Genetics Tuebingen
Classification: Likely benign. Last evaluated: 2026-03-01. Review status: criteria provided, single submitter. Criteria: CeGaT Center For Human Genetics Tuebingen Variant Classification Criteria Version 2. Collection method: clinical testing. Allele origin: germline. Affected: yes. Observed: 1 variant allele.
Comment: HIBCH: BP4, BP7

Blueprint Genetics
Classification: Likely benign. Last evaluated: 2024-05-22. Review status: criteria provided, single submitter. Criteria: ACMG Guidelines, 2015. Collection method: clinical testing. Allele origin: germline.

Labcorp Genetics (formerly Invitae), Labcorp
Classification: Likely benign for 3-hydroxyisobutyryl-CoA hydrolase deficiency. Last evaluated: 2023-03-03. Review status: criteria provided, single submitter. Criteria: Invitae Variant Classification Sherloc (09022015). Collection method: clinical testing. Allele origin: germline.